The following is an entry in ClinVar:

NM_001127392.3(MYRF):c.1116-3C>G

Gene: MYRF (myelin regulatory factor; plus strand). Cytogenetic location: 11q12.2.
Variant type: single nucleotide variant.
Coding change: c.1116-3C>G on transcript NM_001127392.3 (MANE Select); 3 bases into the intron before coding-DNA position 1116, C replaced by G.
Molecular consequence: intron variant.
Genome position (GRCh38, 1-based): chr11:61,773,964, C>G. VCF-style: chr11-61773964-C-G. GRCh37 (hg19) VCF-style: chr11-61541436-C-G.
Other names: NC_000011.9:g.61541436C>G; c.1089-3C>G (NM_013279.4).
Identifiers: ClinVar variation 3777343 (VCV003777343.4).

ClinVar aggregate classification (germline): Conflicting classifications of pathogenicity. Review status: criteria provided, conflicting classifications (1 of 4 stars). 2 submissions from 2 submitters: Pathogenic (1); Uncertain significance (1). Last evaluated 2026-07-07.

Conditions:
Cardiac-urogenital syndrome (CUGS). Also called: MYRF-Related Cardiac Urogenital Syndrome. Identifiers: Orphanet 647811, MedGen C4748946, MONDO:0032653, OMIM 618280.
Encephalitis/encephalopathy, mild, with reversible myelin vacuolization. Also called: ENCEPHALITIS/ENCEPHALOPATHY, MILD, WITH REVERSIBLE SPLENIAL LESION. Identifiers: MedGen C4722446, MONDO:0020853, OMIM 618113.
Nanophthalmos 1 (TMEM98). Also called: MICROPHTHALMOS, SIMPLE, AUTOSOMAL DOMINANT; NANOPHTHALMIA 1; NANOPHTHALMOS WITH HIGH HYPEROPIA AND ANGLE-CLOSURE GLAUCOMA; NANOPHTHALMOS, AUTOSOMAL DOMINANT; NNO1. Identifiers: Orphanet 35612, MedGen C1838502, MONDO:0010836, OMIM 600165.

Submissions (3):

GeneDx
Classification: Pathogenic. Last evaluated: 2026-07-07. Review status: criteria provided, single submitter. Criteria: GeneDx Variant Classification Process June 2021. Collection method: clinical testing. Allele origin: germline.
Comment: Not observed at significant frequency in large population cohorts (gnomAD); In silico analysis supports a deleterious effect on splicing; Has not been previously published as pathogenic or benign to our knowledge

Juno Genomics, Hangzhou Juno Genomics, Inc
Classification: Uncertain significance for Nanophthalmos 1; Cardiac-urogenital syndrome; Encephalitis/encephalopathy, mild, with reversible myelin vacuolization. Review status: criteria provided, single submitter. Criteria: ACMG Guidelines, 2015. Collection method: clinical testing. Allele origin: germline. Affected: yes.

Dr. Peter K. Rogan Lab, Western University
No classification provided (evidence only). Condition: Ovarian serous cystadenocarcinoma. Review status: no classification provided. Collection method: in vitro. Allele origin: not applicable. Functional consequence: retained intron. Not counted in ClinVar's aggregate classification.